The following is an entry in ClinVar:

ClinVar aggregate classification (germline): Pathogenic/Likely pathogenic. Review status: criteria provided, multiple submitters, no conflicts (2 of 4 stars). 3 submissions from 3 submitters: Pathogenic (1); Likely pathogenic (2). Last evaluated 2025-09-10.

Conditions:
Familial cancer of breast. Also called: hereditary breast carcinoma; BREAST CANCER, FAMILIAL; Hereditary breast cancer. Identifiers: Orphanet 227535, MedGen C0346153, MONDO:0016419, OMIM 114480. Disease mechanism: loss of function.
Fanconi anemia complementation group J. Also called: BRIP1-Related Fanconi Anemia. Identifiers: Orphanet 84, MedGen C1836860, MONDO:0012187, OMIM 609054.

Submissions (3):

Labcorp Genetics (formerly Invitae), Labcorp
Classification: Pathogenic for Familial cancer of breast; Fanconi anemia complementation group J. Last evaluated: 2025-09-10. Review status: criteria provided, single submitter. Criteria: Invitae Variant Classification Sherloc (09022015). Collection method: clinical testing. Allele origin: germline.
Comment: This sequence change creates a premature translational stop signal (p.Leu358Profs*6) in the BRIP1 gene. It is expected to result in an absent or disrupted protein product. Loss-of-function variants in BRIP1 are known to be pathogenic (PMID: 16116423, 17033622, 21964575). This variant is not present in population databases (gnomAD no frequency). This variant has not been reported in the literature in individuals affected with BRIP1-related conditions. ClinVar contains an entry for this variant (Variation ID: 1401857). Algorithms developed to predict the effect of sequence changes on RNA splicing suggest that this variant may disrupt the consensus splice site. For these reasons, this variant has been classified as Pathogenic.

Genetics and Molecular Pathology, SA Pathology
Classification: Likely pathogenic for Familial cancer of breast. Last evaluated: 2022-05-09. Review status: criteria provided, single submitter. Criteria: ACMG Guidelines, 2015. Collection method: clinical testing. Allele origin: germline. Affected: yes.

Juno Genomics, Hangzhou Juno Genomics, Inc
Classification: Likely pathogenic for Familial cancer of breast; Fanconi anemia complementation group J. Review status: criteria provided, single submitter. Criteria: ACMG Guidelines, 2015. Collection method: clinical testing. Allele origin: germline.
Comment: Absent from controls (or at extremely low frequency if recessive) in Genome Aggregation Database.;Null variant in a gene where loss of function (LOF) is a known mechanism of disease.

Literature cited by the submitters: PubMed 16116423 (cited by Labcorp Genetics (formerly Invitae), Labcorp); PubMed 17033622 (cited by Labcorp Genetics (formerly Invitae), Labcorp); PubMed 21964575 (cited by Labcorp Genetics (formerly Invitae), Labcorp).

NM_032043.3(BRIP1):c.1072dup (p.Leu358fs)

Gene: BRIP1 (BRCA1 interacting DNA helicase 1; minus strand). Cytogenetic location: 17q23.2.
Variant type: Duplication.
Coding change: c.1072dup on transcript NM_032043.3 (MANE Select); coding-DNA position 1072, one base duplicated (C; older notation c.1072dupC).
Protein change: p.Leu358fs; shifts the reading frame from leucine 358.
Molecular consequence: frameshift variant.
Genome position (GRCh38, 1-based): chr17:61,801,321, G duplicated on the plus strand (C on the coding strand, the reverse complement: BRIP1 is on the minus strand). VCF-style (leftmost placement, unchanged base first): chr17-61801320-A-AG. GRCh37 (hg19) VCF-style: chr17-59878681-A-AG.
Other names: c.1072dupC (NM_032043.3); short protein forms L358fs.
Identifiers: ClinVar variation 1401857 (VCV001401857.12), dbSNP rs2145334953, ClinGen allele CA1139771084.